The following is an entry in ClinVar:

ClinVar aggregate classification (germline): Pathogenic (1 of 4 stars; one submission).

Conditions:
Fabry disease. Also called: ALPHA-GALACTOSIDASE A DEFICIENCY; ANDERSON-FABRY DISEASE; CERAMIDE TRIHEXOSIDASE DEFICIENCY; GLA DEFICIENCY; HEREDITARY DYSTOPIC LIPIDOSIS; Angiokeratoma corporis diffusum. Identifiers: Orphanet 324, MedGen C0002986, MONDO:0010526, OMIM 301500, HP:0001071. Disease mechanism: Fabry disease is due to inactivating mutations in the X-linked GLA gene resulting in deficiency of the enzyme Alpha Galactosidase-A., loss of function.

Submission:

Genomenon, Inc
Classification: Pathogenic for Fabry disease. Last evaluated: 2026-09-08. Review status: criteria provided, single submitter. Criteria: Genomenon Sequence Variant Interpretation Standards - Updated. Collection method: curation. Allele origin: germline. Affected: yes.
Comment: GLA p.Ser405HisfsTer27 (c.1213_1217del) is a frameshift variant that is predicted to introduce a premature termination codon and result in a truncated or absent protein product. This variant has been observed in at least one proband with clinical features consistent with Fabry disease (PMID:39609713). Functional or patient cell studies have been reported (PMID:39609713). It is absent or not present at a significant frequency in gnomAD. In conclusion, we classify GLA p.Ser405HisfsTer27 (c.1213_1217del) as a pathogenic variant.

Literature cited by the submitters: PubMed 39609713.

NM_000169.3(GLA):c.1213_1217del (p.Ser405fs)

Genes: GLA (galactosidase alpha; minus strand), RPL36A-HNRNPH2 (RPL36A-HNRNPH2 readthrough; plus strand). Cytogenetic location: Xq22.1.
Variant type: Deletion.
Coding change: c.1213_1217del on transcript NM_000169.3 (MANE Select); coding-DNA positions 1213 to 1217, 5 bases deleted (AGTCA; older notation c.1213_1217delAGTCA).
Protein change: p.Ser405fs; shifts the reading frame from serine 405.
Molecular consequence: frameshift variant. On other transcripts: non-coding transcript variant (3), intron variant (2).
Genome position (GRCh38, 1-based): chrX:101,397,882-101,397,886, TGACT deleted on the plus strand (AGTCA on the coding strand, the reverse complement: GLA is on the minus strand); deleting any 5 consecutive bases within chrX:101,397,882-101,397,887 gives the same sequence; the c. name uses the placement nearest the transcript's 3' end. VCF-style (leftmost placement, unchanged base first): chrX-101397881-GTGACT-G. GRCh37 (hg19) VCF-style: chrX-100652869-GTGACT-G.
Other names: c.1336_1340del, p.Ser446fs (NM_001406747.1); c.300+2426_300+2430del (NM_001199973.2); c.177+6061_177+6065del (NM_001199974.2); short protein forms S405fs, S446fs.
Identifiers: ClinVar variation 4087082 (VCV004087082.2).